The following is an entry in ClinVar:

NM_001040142.2(SCN2A):c.1184G>A (p.Arg395His)

Gene: SCN2A (sodium voltage-gated channel alpha subunit 2; plus strand). Cytogenetic location: 2q24.3.
Variant type: single nucleotide variant.
Coding change: c.1184G>A on transcript NM_001040142.2 (MANE Select); coding-DNA position 1184, G replaced by A.
Protein change: p.Arg395His; replaces arginine 395 with histidine.
Molecular consequence: missense variant.
Genome position (GRCh38, 1-based): chr2:165,313,909, G>A. VCF-style: chr2-165313909-G-A. GRCh37 (hg19) VCF-style: chr2-166170419-G-A.
Other names: c.1184G>A, p.Arg395His (NM_001040143.2, NM_001371246.1, NM_001371247.1 and 1 more transcripts); short protein forms R395H.
Identifiers: ClinVar variation 2947455 (VCV002947455.3), dbSNP rs2467902405, ClinGen allele CA349021440.

ClinVar aggregate classification (germline): Pathogenic (1 of 4 stars; one submission).

Conditions:
Seizures, benign familial infantile, 3 (BFIS3). Also called: CONVULSIONS, BENIGN FAMILIAL INFANTILE, 3; Familial neonatal seizures. Identifiers: Orphanet 140927, Orphanet 306, MedGen C1843140, MONDO:0011904, OMIM 607745.
Developmental and epileptic encephalopathy, 11 (DEE11). Also called: Early infantile epileptic encephalopathy 11. Identifiers: Orphanet 1934, MedGen C3150987, MONDO:0013388, OMIM 613721.

Submission:

Labcorp Genetics (formerly Invitae), Labcorp
Classification: Pathogenic for Seizures, benign familial infantile, 3; Developmental and epileptic encephalopathy, 11. Last evaluated: 2023-11-18. Review status: criteria provided, single submitter. Criteria: Invitae Variant Classification Sherloc (09022015). Collection method: clinical testing. Allele origin: germline.
Comment: This sequence change replaces arginine, which is basic and polar, with histidine, which is basic and polar, at codon 395 of the SCN2A protein (p.Arg395His). This variant is not present in population databases (gnomAD no frequency). This missense change has been observed in individual(s) with SCN2A-related conditions (PMID: 34894057). In at least one individual the variant was observed to be de novo. Advanced modeling of protein sequence and biophysical properties (such as structural, functional, and spatial information, amino acid conservation, physicochemical variation, residue mobility, and thermodynamic stability) performed at Invitae indicates that this missense variant is expected to disrupt SCN2A protein function with a positive predictive value of 95%. For these reasons, this variant has been classified as Pathogenic.

Literature cited by the submitters: PubMed 34894057.